The following is an entry in ClinVar:

NM_020207.7(ERCC6L2):c.2017G>C (p.Glu673Gln)

Gene: ERCC6L2 (ERCC excision repair 6 like 2; plus strand). Cytogenetic location: 9q22.32.
Variant type: single nucleotide variant.
Coding change: c.2017G>C on transcript NM_020207.7 (MANE Select); coding-DNA position 2017, G replaced by C.
Protein change: p.Glu673Gln; replaces glutamic acid 673 with glutamine.
Molecular consequence: missense variant. On other transcripts: non-coding transcript variant (1).
Genome position (GRCh38, 1-based): chr9:95,966,631, G>C. VCF-style: chr9-95966631-G-C. GRCh37 (hg19) VCF-style: chr9-98728913-G-C.
Other names: c.2017G>C, p.Glu673Gln (NM_001010895.4, NM_001375291.1, NM_001375292.1 and 2 more transcripts); short protein forms E673Q.
Identifiers: ClinVar variation 4618719 (VCV004618719.1).

ClinVar aggregate classification (germline): Uncertain significance (1 of 4 stars; one submission).

Conditions:
Inborn genetic diseases. Identifiers: MedGen C0950123, MeSH D030342.

gnomAD v4.1: 1 of 1,544,840 alleles (0.000065%); highest among the groups gnomAD compares: Non-Finnish European, 0.000088%; no homozygotes.

Submission:

Ambry Genetics
Classification: Uncertain significance for Inborn genetic diseases. Last evaluated: 2025-10-03. Review status: criteria provided, single submitter. Criteria: Ambry Variant Classification Scheme 2023. Collection method: clinical testing. Allele origin: germline.
Comment: The p.E673Q variant (also known as c.2017G>C), located in coding exon 14 of the ERCC6L2 gene, results from a G to C substitution at nucleotide position 2017. The glutamic acid at codon 673 is replaced by glutamine, an amino acid with highly similar properties. This amino acid position is conserved. In addition, the in silico prediction for this alteration is inconclusive. Based on the available evidence, the clinical significance of this variant remains unclear.